The following is an entry in ClinVar:

ClinVar aggregate classification (germline): Uncertain significance (1 of 4 stars; one submission).

Submission:

Women's Health and Genetics/Laboratory Corporation of America, LabCorp
Classification: Uncertain significance. Last evaluated: 2024-08-19. Review status: criteria provided, single submitter. Criteria: LabCorp Variant Classification Summary - May 2015. Collection method: clinical testing. Allele origin: germline.
Comment: Variant summary: GALNS c.547G>C (p.Asp183His) results in a non-conservative amino acid change located in the Sulfatase, N-terminal (IPR000917) of the encoded protein sequence. Four of five in-silico tools predict a damaging effect of the variant on protein function. The variant was absent in 251210 control chromosomes. The available data on variant occurrences in the general population are insufficient to allow any conclusion about variant significance. c.547G>C has been reported in the literature in an individual affected with Mucopolysaccharidosis Type IVA (Morquio Syndrome A) (Yi_2022). These report(s) do not provide unequivocal conclusions about association of the variant with Mucopolysaccharidosis Type IVA (Morquio Syndrome A). To our knowledge, no experimental evidence demonstrating an impact on protein function has been reported. The following publication have been ascertained in the context of this evaluation (PMID: 35212421). No submitters have cited clinical-significance assessments for this variant to ClinVar. Based on the evidence outlined above, the variant was classified as uncertain significance.

Literature cited by the submitters: PubMed 35212421.

NM_000512.5(GALNS):c.547G>C (p.Asp183His)

Gene: GALNS (galactosamine (N-acetyl)-6-sulfatase; minus strand). Cytogenetic location: 16q24.3.
Variant type: single nucleotide variant.
Coding change: c.547G>C on transcript NM_000512.5 (MANE Select); coding-DNA position 547, G replaced by C.
Protein change: p.Asp183His; replaces aspartic acid 183 with histidine.
Molecular consequence: missense variant. On other transcripts: 5 prime UTR variant (1).
Genome position (GRCh38, 1-based): chr16:88,837,641, C>G on the plus strand (G>C on the coding strand, the complement: GALNS is on the minus strand). VCF-style: chr16-88837641-C-G. GRCh37 (hg19) VCF-style: chr16-88904049-C-G.
Other names: c.-9G>C (NM_001323543.2); c.565G>C, p.Asp189His (NM_001323544.2); short protein forms D183H, D189H.
Identifiers: ClinVar variation 3366730 (VCV003366730.1).
Genomic context (GRCh38, chr16:88,837,641, plus strand): 5'-CAGTTCAGGACGTGGGAGGGGAAGGGGTGGGGCTCCATTACCTGCCAACCATCTCCCAGT[C>G]CCTGTACACAGGGATGTTGGGCCTGGCCTTGTTGTCATAAGGTCCAAAGTGGCAGTTGGG-3'
Protein context (NP_000503.1, residues 173-193): KARPNIPVYR[Asp183His]WEMVGRYYEE